The following is an entry in ClinVar:

NM_005912.3(MC4R):c.143C>T (p.Pro48Leu)

Gene: MC4R (melanocortin 4 receptor; minus strand). Cytogenetic location: 18q21.32.
Variant type: single nucleotide variant.
Coding change: c.143C>T on transcript NM_005912.3 (MANE Select); coding-DNA position 143, C replaced by T.
Protein change: p.Pro48Leu; replaces proline 48 with leucine.
Molecular consequence: missense variant.
Genome position (GRCh38, 1-based): chr18:60,372,207, G>A on the plus strand (C>T on the coding strand, the complement: MC4R is on the minus strand). VCF-style: chr18-60372207-G-A. GRCh37 (hg19) VCF-style: chr18-58039440-G-A.
Other names: short protein forms P48L.
Identifiers: ClinVar variation 3677398 (VCV003677398.2).

ClinVar aggregate classification (germline): Uncertain significance (1 of 4 stars; one submission).

gnomAD v4.1: 4 of 1,614,212 alleles (0.00025%); highest among the groups gnomAD compares: Non-Finnish European, 0.00034%; no homozygotes.

Submission:

Labcorp Genetics (formerly Invitae), Labcorp
Classification: Uncertain significance. Last evaluated: 2024-09-17. Review status: criteria provided, single submitter. Criteria: Invitae Variant Classification Sherloc (09022015). Collection method: clinical testing. Allele origin: germline.
Comment: This sequence change replaces proline, which is neutral and non-polar, with leucine, which is neutral and non-polar, at codon 48 of the MC4R protein (p.Pro48Leu). This variant is present in population databases (rs776520178, gnomAD 0.0009%). This variant has not been reported in the literature in individuals affected with MC4R-related conditions. Invitae Evidence Modeling of protein sequence and biophysical properties (such as structural, functional, and spatial information, amino acid conservation, physicochemical variation, residue mobility, and thermodynamic stability) indicates that this missense variant is not expected to disrupt MC4R protein function with a negative predictive value of 80%. In summary, the available evidence is currently insufficient to determine the role of this variant in disease. Therefore, it has been classified as a Variant of Uncertain Significance.